The following is an entry in ClinVar:

NM_007294.4(BRCA1):c.5293G>A (p.Glu1765Lys)

Gene: BRCA1 (BRCA1 DNA repair associated; minus strand). Cytogenetic location: 17q21.31.
Variant type: single nucleotide variant.
Coding change: c.5293G>A on transcript NM_007294.4 (MANE Select); coding-DNA position 5293, G replaced by A.
Protein change: p.Glu1765Lys; replaces glutamic acid 1765 with lysine.
Molecular consequence: missense variant. On other transcripts: non-coding transcript variant (1).
Genome position (GRCh38, 1-based): chr17:43,051,102, C>T on the plus strand (G>A on the coding strand, the complement: BRCA1 is on the minus strand). VCF-style: chr17-43051102-C-T. GRCh37 (hg19) VCF-style: chr17-41203119-C-T.
Other names: c.2050G>A, p.Glu684Lys (NM_001407970.1, NM_001407971.1); c.2047G>A, p.Glu683Lys (NM_001407972.1); c.1984G>A, p.Glu662Lys (NM_001407973.1, NM_001407974.1, NM_001407975.1 and 3 more transcripts); c.1981G>A, p.Glu661Lys (NM_001407979.1, NM_001407992.1, NM_001407993.1 and 13 more transcripts); c.1978G>A, p.Glu660Lys (NM_001408392.1, NM_001408396.1, NM_001408397.1 and 8 more transcripts); c.5287G>A, p.Glu1763Lys (NM_001407627.1, NM_001407628.1, NM_001407629.1 and 14 more transcripts); c.5284G>A, p.Glu1762Lys (NM_001407644.1, NM_001407645.1); c.5281G>A, p.Glu1761Lys (NM_001407646.1); and 72 more; short protein forms E1786K, E1718K, E1765K, E661K, E1596K, E1636K, E1695K, E1698K.
Identifiers: ClinVar variation 865272 (VCV000865272.4), dbSNP rs397509256, ClinGen allele CA10590964.

ClinVar aggregate classification (germline): Uncertain significance (1 of 4 stars; one submission).

Conditions:
Fanconi anemia, complementation group S (FANCS). Identifiers: MedGen C4554406, MONDO:0054748, OMIM 617883.

Submissions (2):

Department of Pathology and Laboratory Medicine, Sinai Health System
Classification: Uncertain significance for Fanconi anemia, complementation group S. Last evaluated: 2020-02-07. Review status: criteria provided, single submitter. Criteria: ACMG Guidelines, 2015. Collection method: clinical testing. Allele origin: germline.

Brotman Baty Institute, University of Washington
No classification provided (evidence only). Condition: Breast-ovarian cancer, familial 1. Review status: no classification provided. Collection method: in vitro. Allele origin: not applicable. Functional consequence: functionally_normal. Not counted in ClinVar's aggregate classification.
ClinVar note: "not provided" was previously submitted as the classification for the variant. However, the classification appeared to be based only on an observation of functional data so it was converted to no classification on 2025-07-30.

Literature cited by the submitters: PubMed 24845084 (cited by Department of Pathology and Laboratory Medicine, Sinai Health System).